The following is an entry in ClinVar:

NM_198241.3(EIF4G1):c.2485A>T (p.Thr829Ser)

Gene: EIF4G1 (eukaryotic translation initiation factor 4 gamma 1; plus strand). Cytogenetic location: 3q27.1.
Variant type: single nucleotide variant.
Coding change: c.2485A>T on transcript NM_198241.3 (MANE Select); coding-DNA position 2485, A replaced by T.
Protein change: p.Thr829Ser; replaces threonine 829 with serine.
Molecular consequence: missense variant.
Genome position (GRCh38, 1-based): chr3:184,324,213, A>T. VCF-style: chr3-184324213-A-T. GRCh37 (hg19) VCF-style: chr3-184042001-A-T.
Other names: c.2506A>T, p.Thr836Ser (NM_001194946.2, NM_001194947.2); c.2365A>T, p.Thr789Ser (NM_001291157.2); c.1900A>T, p.Thr634Ser (NM_004953.5); c.2488A>T, p.Thr830Ser (NM_182917.4); c.1993A>T, p.Thr665Ser (NM_198242.3); c.2224A>T, p.Thr742Ser (NM_198244.3); short protein forms T634S, T665S, T742S, T789S, T829S, T830S, T836S.
Identifiers: ClinVar variation 3351450 (VCV003351450.1).
Genomic context (GRCh38, chr3:184,324,213, plus strand): 5'-TCCCTGCCCAGGACTAGTCTTGAGTGTGACATTCTCTCTGACCTACAGCTGAAAGTGCCC[A>T]CTACGGAAAAGCCAACAGTGACTGTGAACTTCCGAAAGCTGTTGTTGAATCGATGTCAGA-3'
Protein context (NP_937884.2, residues 819-839): CRCLMALKVP[Thr829Ser]TEKPTVTVNF

ClinVar aggregate classification (germline): Uncertain significance (0 of 4 stars; one submission).

Conditions:
EIF4G1-related disorder. Also called: EIF4G1-related condition.

gnomAD v4.1: 79 of 1,614,122 alleles (0.0049%); highest among the groups gnomAD compares: Non-Finnish European, 0.0063%; no homozygotes.

Submission:

PreventionGenetics, part of Exact Sciences
Classification: Uncertain significance for EIF4G1-related condition. Last evaluated: 2024-05-13. Review status: no assertion criteria provided. Collection method: clinical testing. Allele origin: germline.
Comment: The EIF4G1 c.2485A>T variant is predicted to result in the amino acid substitution p.Thr829Ser. To our knowledge, this variant has not been reported in the literature. This variant is reported in 0.0077% of alleles in individuals of European (Non-Finnish) descent in gnomAD. At this time, the clinical significance of this variant is uncertain due to the absence of conclusive functional and genetic evidence.